The following is an entry in ClinVar:

ClinVar aggregate classification (germline): Uncertain significance. Review status: criteria provided, multiple submitters, no conflicts (2 of 4 stars). 2 submissions from 2 submitters: Uncertain significance (2). Last evaluated 2025-09-07.

Conditions:
Hereditary cancer-predisposing syndrome. Also called: Hereditary Cancer Syndrome; Hereditary neoplastic syndrome; Neoplastic Syndromes, Hereditary; Tumor predisposition. Identifiers: Orphanet 140162, MedGen C0027672, MeSH D009386, MONDO:0015356.
Bloom syndrome (BLM). Also called: Bloom-Torre-Machacek syndrome. Identifiers: Orphanet 125, MedGen C0005859, MONDO:0008876, OMIM 210900.

Submissions (2):

Ambry Genetics
Classification: Uncertain significance for Hereditary cancer-predisposing syndrome. Last evaluated: 2025-09-07. Review status: criteria provided, single submitter. Criteria: Ambry Variant Classification Scheme 2023. Collection method: clinical testing. Allele origin: germline.
Comment: The p.D44N variant (also known as c.130G>A), located in coding exon 2 of the BLM gene, results from a G to A substitution at nucleotide position 130. The aspartic acid at codon 44 is replaced by asparagine, an amino acid with highly similar properties. This amino acid position is poorly conserved in available vertebrate species. In addition, this alteration is predicted to be tolerated by in silico analysis. Since supporting evidence is limited at this time, the clinical significance of this alteration remains unclear.

Labcorp Genetics (formerly Invitae), Labcorp
Classification: Uncertain significance for Bloom syndrome. Last evaluated: 2022-11-05. Review status: criteria provided, single submitter. Criteria: Invitae Variant Classification Sherloc (09022015). Collection method: clinical testing. Allele origin: germline.
Comment: This sequence change replaces aspartic acid, which is acidic and polar, with asparagine, which is neutral and polar, at codon 44 of the BLM protein (p.Asp44Asn). In summary, the available evidence is currently insufficient to determine the role of this variant in disease. Therefore, it has been classified as a Variant of Uncertain Significance. Algorithms developed to predict the effect of missense changes on protein structure and function (SIFT, PolyPhen-2, Align-GVGD) all suggest that this variant is likely to be tolerated. This variant has not been reported in the literature in individuals affected with BLM-related conditions. This variant is not present in population databases (gnomAD no frequency).

NM_000057.4(BLM):c.130G>A (p.Asp44Asn)

Gene: BLM (BLM RecQ like helicase; plus strand). Cytogenetic location: 15q26.1.
Variant type: single nucleotide variant.
Coding change: c.130G>A on transcript NM_000057.4 (MANE Select); coding-DNA position 130, G replaced by A.
Protein change: p.Asp44Asn; replaces aspartic acid 44 with asparagine.
Molecular consequence: missense variant. On other transcripts: 5 prime UTR variant (1).
Genome position (GRCh38, 1-based): chr15:90,749,398, G>A. VCF-style: chr15-90749398-G-A. GRCh37 (hg19) VCF-style: chr15-91292628-G-A.
Other names: c.130G>A, p.Asp44Asn (NM_001287246.2, NM_001287247.2); c.-1162G>A (NM_001287248.2); short protein forms D44N.
Identifiers: ClinVar variation 1769631 (VCV001769631.7), dbSNP rs1249086421, ClinGen allele CA393839397.
Genomic context (GRCh38, chr15:90,749,398, plus strand): 5'-TCTAATCTAGTTTTTCCATTATTTTTCAGAGGTTTCACTTTTAAAAAGAAAACATCTTCA[G>A]ATAACAATGTATCTGTAACTAATGTGTCAGTAGCAAAAACACCTGTATTAAGAAATAAAG-3'
Protein context (NP_000048.1, residues 34-54): GFTFKKKTSS[Asp44Asn]NNVSVTNVSV